The following is an entry in ClinVar:

NM_000719.7(CACNA1C):c.5091+4G>C

Genes: CACNA1C (calcium voltage-gated channel subunit alpha1 C; plus strand), CACNA1C-AS1 (CACNA1C antisense RNA 1; minus strand). Cytogenetic location: 12p13.33.
Variant type: single nucleotide variant.
Coding change: c.5091+4G>C on transcript NM_000719.7 (MANE Select); 4 bases into the intron after coding-DNA position 5091, G replaced by C.
Molecular consequence: intron variant. On other transcripts: non-coding transcript variant (1).
Genome position (GRCh38, 1-based): chr12:2,677,871, G>C. VCF-style: chr12-2677871-G-C. GRCh37 (hg19) VCF-style: chr12-2787037-G-C.
Other names: c.5091+4G>C (NM_001167624.3, NM_001167623.2, NM_001129840.2 and 4 more transcripts); c.5058+4G>C (NM_001167625.2, NM_001129846.2); c.5235+4G>C (NM_199460.4, NM_001129827.2); c.5151+4G>C (NM_001129832.2); c.5175+4G>C (NM_001129831.2); c.5148+4G>C (NM_001129833.2, NM_001129834.2, NM_001129835.2); c.5214+4G>C (NM_001129829.2); c.5115+4G>C (NM_001129837.2, NM_001129838.2); and 3 more.
Identifiers: ClinVar variation 1350096 (VCV001350096.6), dbSNP rs2096901252, ClinGen allele CA477898124.
Genomic context (GRCh38, chr12:2,677,871, plus strand): 5'-CTGGACAAGGCCATGAAGGAGGCTGTGTCCGCTGCTTCTGAAGATGACATCTTCAGGGTG[G>C]GTGGTGCCATGGCGCACTCTCGACCCCTATAAAGTTCAGTTTGGAGCAAGAGGTTGGGCT-3'

ClinVar aggregate classification (germline): Uncertain significance (1 of 4 stars; one submission).

Conditions:
Long QT syndrome (LQTS). Identifiers: MedGen C0023976, MeSH D008133, MONDO:0002442. Disease mechanism: loss of function. Inheritance: Various modes of inheritance.

Submission:

Labcorp Genetics (formerly Invitae), Labcorp
Classification: Uncertain significance for Long QT syndrome. Last evaluated: 2021-04-29. Review status: criteria provided, single submitter. Criteria: Invitae Variant Classification Sherloc (09022015). Collection method: clinical testing. Allele origin: germline.
Comment: In summary, the available evidence is currently insufficient to determine the role of this variant in disease. Therefore, it has been classified as a Variant of Uncertain Significance. Nucleotide substitutions within the consensus splice site are a relatively common cause of aberrant splicing (PMID: 17576681, 9536098). Algorithms developed to predict the effect of sequence changes on RNA splicing suggest that this variant is not likely to affect RNA splicing, but this prediction has not been confirmed by published transcriptional studies. This variant has not been reported in the literature in individuals with CACNA1C-related conditions. This variant is not present in population databases (ExAC no frequency). This sequence change falls in intron 41 of the CACNA1C gene. It does not directly change the encoded amino acid sequence of the CACNA1C protein. It affects a nucleotide within the consensus splice site of the intron.

Literature cited by the submitters: PubMed 17576681; PubMed 9536098.